The following is an entry in ClinVar:

NM_004959.5(NR5A1):c.1293G>T (p.Met431Ile)

Gene: NR5A1 (nuclear receptor subfamily 5 group A member 1; minus strand). Cytogenetic location: 9q33.3.
Variant type: single nucleotide variant.
Coding change: c.1293G>T on transcript NM_004959.5 (MANE Select); coding-DNA position 1293, G replaced by T.
Protein change: p.Met431Ile; replaces methionine 431 with isoleucine.
Molecular consequence: missense variant.
Genome position (GRCh38, 1-based): chr9:124,482,851, C>A on the plus strand (G>T on the coding strand, the complement: NR5A1 is on the minus strand). VCF-style: chr9-124482851-C-A. GRCh37 (hg19) VCF-style: chr9-127245130-C-A.
Other names: short protein forms M431I.
Identifiers: ClinVar variation 3757077 (VCV003757077.2).

ClinVar aggregate classification (germline): Uncertain significance (1 of 4 stars; one submission).

Conditions:
46 XY differences of sex development. Also called: 46, XY disorder of sex development (DSD); 46,XY disorder of sex development. Identifiers: Orphanet 98085, MedGen C2751824, MONDO:0020040.
Oligosynaptic infertility (SPGF1). Also called: SPERMATOGENIC FAILURE 1; OLIGOCHIASMATIC INFERTILITY. Identifiers: MedGen C0403810, MONDO:0009776, OMIM 258150.

Submission:

Labcorp Genetics (formerly Invitae), Labcorp
Classification: Uncertain significance for 46 XY differences of sex development; Oligosynaptic infertility. Last evaluated: 2025-01-16. Review status: criteria provided, single submitter. Criteria: Invitae Variant Classification Sherloc (09022015). Collection method: clinical testing. Allele origin: germline.
Comment: This sequence change replaces methionine, which is neutral and non-polar, with isoleucine, which is neutral and non-polar, at codon 431 of the NR5A1 protein (p.Met431Ile). This variant is present in population databases (no rsID available, gnomAD 0.003%). This variant has not been reported in the literature in individuals affected with NR5A1-related conditions. Invitae Evidence Modeling of protein sequence and biophysical properties (such as structural, functional, and spatial information, amino acid conservation, physicochemical variation, residue mobility, and thermodynamic stability) indicates that this missense variant is not expected to disrupt NR5A1 protein function with a negative predictive value of 95%. In summary, the available evidence is currently insufficient to determine the role of this variant in disease. Therefore, it has been classified as a Variant of Uncertain Significance.